The following is an entry in ClinVar:

ClinVar aggregate classification (germline): Uncertain significance (1 of 4 stars; one submission).

Conditions:
Catecholaminergic polymorphic ventricular tachycardia 1. Also called: VENTRICULAR TACHYCARDIA, STRESS-INDUCED POLYMORPHIC 1; VENTRICULAR TACHYCARDIA, CATECHOLAMINERGIC POLYMORPHIC, 1, WITH OR WITHOUT ATRIAL DYSFUNCTION AND/OR DILATED CARDIOMYOPATHY; RYR2-Related Catecholaminergic Polymorphic Ventricular Tachycardia. Identifiers: Orphanet 3286, MedGen C1631597, MONDO:0011484, OMIM 604772.

Submission:

Labcorp Genetics (formerly Invitae), Labcorp
Classification: Uncertain significance for Catecholaminergic polymorphic ventricular tachycardia 1. Last evaluated: 2024-03-31. Review status: criteria provided, single submitter. Criteria: Invitae Variant Classification Sherloc (09022015). Collection method: clinical testing. Allele origin: germline.
Comment: This sequence change affects codon 91 of the RYR2 mRNA. It is a 'silent' change, meaning that it does not change the encoded amino acid sequence of the RYR2 protein. This variant also falls at the last nucleotide of exon 3, which is part of the consensus splice site for this exon. This variant is not present in population databases (gnomAD no frequency). This variant has not been reported in the literature in individuals affected with RYR2-related conditions. Variants that disrupt the consensus splice site are a relatively common cause of aberrant splicing (PMID: 17576681, 9536098). Algorithms developed to predict the effect of sequence changes on RNA splicing suggest that this variant may disrupt the consensus splice site. In summary, the available evidence is currently insufficient to determine the role of this variant in disease. Therefore, it has been classified as a Variant of Uncertain Significance.

Literature cited by the submitters: PubMed 17576681; PubMed 9536098.

NM_001035.3(RYR2):c.273G>A (p.Gly91=)

Gene: RYR2 (ryanodine receptor 2; plus strand). Cytogenetic location: 1q43.
Variant type: single nucleotide variant.
Coding change: c.273G>A on transcript NM_001035.3 (MANE Select); coding-DNA position 273, G replaced by A.
Protein change: p.Gly91=; no amino-acid change (glycine 91 retained).
Molecular consequence: synonymous variant.
Genome position (GRCh38, 1-based): chr1:237,330,982, G>A. VCF-style: chr1-237330982-G-A. GRCh37 (hg19) VCF-style: chr1-237494282-G-A.
Identifiers: ClinVar variation 3708525 (VCV003708525.2).